The following is an entry in ClinVar:

NM_006393.3(NEBL):c.3043T>C (p.Ter1015Gln)

Gene: NEBL (nebulette; minus strand). Cytogenetic location: 10p12.31.
Variant type: single nucleotide variant.
Coding change: c.3043T>C on transcript NM_006393.3 (MANE Select); coding-DNA position 3043, T replaced by C.
Protein change: p.Ter1015Gln.
Molecular consequence: stop lost. On other transcripts: 3 prime UTR variant (1).
Genome position (GRCh38, 1-based): chr10:20,785,749, A>G on the plus strand (T>C on the coding strand, the complement: NEBL is on the minus strand). VCF-style: chr10-20785749-A-G. GRCh37 (hg19) VCF-style: chr10-21074678-A-G.
Other names: c.*134T>C (NM_001173484.2); c.904T>C, p.Ter302Gln (NM_001377322.1); c.763T>C, p.Ter255Gln (NM_001377323.1); c.754T>C, p.Ter252Gln (NM_001377324.1); c.745T>C, p.Ter249Gln (NM_001377325.1); c.703T>C, p.Ter235Gln (NM_001377326.1, NM_001377327.1, NM_001377328.1); c.811T>C, p.Ter271Gln (NM_213569.2).
Identifiers: ClinVar variation 1518227 (VCV001518227.6), dbSNP rs763015983, ClinGen allele CA376091981.

ClinVar aggregate classification (germline): Uncertain significance (1 of 4 stars; one submission).

Conditions:
Primary dilated cardiomyopathy (DCM). Also called: Dilated Cardiomyopathy. Identifiers: Orphanet 217604, MedGen C0007193, MeSH D002311, MONDO:0005021, HP:0001644. Inheritance: Various modes of inheritance.

gnomAD v4.1: 3 of 1,613,576 alleles (0.00019%); highest among the groups gnomAD compares: Non-Finnish European, 0.00025%; no homozygotes.

Submission:

Labcorp Genetics (formerly Invitae), Labcorp
Classification: Uncertain significance for Primary dilated cardiomyopathy. Last evaluated: 2021-09-09. Review status: criteria provided, single submitter. Criteria: Invitae Variant Classification Sherloc (09022015). Collection method: clinical testing. Allele origin: germline.
Comment: In summary, the available evidence is currently insufficient to determine the role of this variant in disease. Therefore, it has been classified as a Variant of Uncertain Significance. This variant has not been reported in the literature in individuals affected with NEBL-related conditions. This variant is not present in population databases (ExAC no frequency). This sequence change disrupts the translational stop signal of the NEBL mRNA. It is expected to extend the length of the NEBL protein by 7 additional amino acid residues.